The following is an entry in ClinVar:

NM_001081.4(CUBN):c.2792-1G>T

Gene: CUBN (cubilin; minus strand). Cytogenetic location: 10p13.
Variant type: single nucleotide variant.
Coding change: c.2792-1G>T on transcript NM_001081.4 (MANE Select); the canonical splice acceptor site of the intron before coding-DNA position 2792, G replaced by T.
Molecular consequence: splice acceptor variant.
Genome position (GRCh38, 1-based): chr10:17,068,281, C>A on the plus strand (G>T on the coding strand, the complement: CUBN is on the minus strand). VCF-style: chr10-17068281-C-A. GRCh37 (hg19) VCF-style: chr10-17110280-C-A.
Identifiers: ClinVar variation 1699902 (VCV001699902.1), dbSNP rs2131845016, ClinGen allele CA376156638.

ClinVar aggregate classification (germline): Likely pathogenic (1 of 4 stars; one submission).

Conditions:
Proteinuria, chronic benign. Identifiers: MedGen C5394384, MONDO:0030042, OMIM 618884.
Imerslund-Grasbeck syndrome type 1 (IGS1). Also called: MEGALOBLASTIC ANEMIA, 1; Imerslund-Gräsbeck syndrome 1; Megaloblastic anemia 1, Finnish type. Identifiers: MedGen C4016819, MONDO:0100156, OMIM 261100.

Submission:

Laboratorio de Genética Hospitales Universitarios Virgen de las Nieves y Clínico San Cecilio (Granada, Spain), Hospitales Universitarios Virgen de las Nieves y Clínico San Cecilio (Granada, Spain)
Classification: Likely pathogenic for Proteinuria, chronic benign; Imerslund-Grasbeck syndrome type 1. Last evaluated: 2022-08-03. Review status: criteria provided, single submitter. Criteria: ACMG Guidelines, 2015. Collection method: clinical testing. Allele origin: germline. Inheritance: Autosomal recessive inheritance. Affected: yes. Observed: 1 variant allele.
Comment: PVS1, PM2